The following is an entry in ClinVar:

NM_015662.3(IFT172):c.1060G>T (p.Gly354Cys)

Gene: IFT172 (intraflagellar transport 172; minus strand). Cytogenetic location: 2p23.3.
Variant type: single nucleotide variant.
Coding change: c.1060G>T on transcript NM_015662.3 (MANE Select); coding-DNA position 1060, G replaced by T.
Protein change: p.Gly354Cys; replaces glycine 354 with cysteine.
Molecular consequence: missense variant.
Genome position (GRCh38, 1-based): chr2:27,478,102, C>A on the plus strand (G>T on the coding strand, the complement: IFT172 is on the minus strand). VCF-style: chr2-27478102-C-A. GRCh37 (hg19) VCF-style: chr2-27700969-C-A.
Other names: c.1060G>T (NM_015662.2); c.1060G>T, p.Gly354Cys (NM_001410739.1); short protein forms G354C.
Identifiers: ClinVar variation 3586363 (VCV003586363.2).
Genomic context (GRCh38, chr2:27,478,102, plus strand): 5'-ATGTGTGAGCCACCAAGTAACGTTCCTTTCCTAGGATTTTCACCTCTTCCACCTCATAGC[C>A]ATAGTGTGACTTGAGCACCACTCGGGTTCCTGATGACAGGTTCTTCACAATCACCTTGGT-3'
Protein context (NP_056477.1, residues 344-364): GTRVVLKSHY[Gly354Cys]YEVEEVKILG

ClinVar aggregate classification (germline): Uncertain significance. Review status: criteria provided, multiple submitters, no conflicts (2 of 4 stars). 2 submissions from 2 submitters: Uncertain significance (2). Last evaluated 2025-02-21.

Conditions:
Short-rib thoracic dysplasia 10 with or without polydactyly (SRTD10). Identifiers: Orphanet 474, MedGen C3810175, MONDO:0014284, OMIM 615630.
Bardet-Biedl syndrome 20. Identifiers: MedGen C4310707, MONDO:0023670, OMIM 619471, MONDO:0014926.
Retinitis pigmentosa 71 (RP71). Identifiers: Orphanet 791, MedGen C4225342, MONDO:0014618, OMIM 616394.
IFT172-related disorder. Also called: IFT172-related disorders; IFT172-related condition.

gnomAD v4.1: 1 of 1,614,048 alleles (0.000062%); highest among the groups gnomAD compares: African/African-American, 0.0013%; no homozygotes.

Submissions (2):

PreventionGenetics, part of Exact Sciences
Classification: Uncertain significance for IFT172-related condition. Last evaluated: 2025-02-21. Review status: criteria provided, single submitter. Criteria: ACMG Guidelines, 2015. Collection method: clinical testing. Allele origin: germline.
Comment: The IFT172 c.1060G>T variant is predicted to result in the amino acid substitution p.Gly354Cys. To our knowledge, this variant has not been reported in the literature or in a large population database (gnomAD), indicating this variant is rare. At this time, the clinical significance of this variant is uncertain due to the absence of conclusive functional and genetic evidence.

Fulgent Genetics
Classification: Uncertain significance for Short-rib thoracic dysplasia 10 with or without polydactyly; Retinitis pigmentosa 71; Bardet-Biedl syndrome 20. Last evaluated: 2024-06-13. Review status: criteria provided, single submitter. Criteria: ACMG Guidelines, 2015. Collection method: clinical testing. Allele origin: germline.